The following is an entry in ClinVar:

NM_001130004.2(ACTN1):c.959G>A (p.Arg320Gln)

Gene: ACTN1 (actinin alpha 1; minus strand). Cytogenetic location: 14q24.1.
Variant type: single nucleotide variant.
Coding change: c.959G>A on transcript NM_001130004.2 (MANE Select); coding-DNA position 959, G replaced by A.
Protein change: p.Arg320Gln; replaces arginine 320 with glutamine.
Molecular consequence: missense variant.
Genome position (GRCh38, 1-based): chr14:68,892,180, C>T on the plus strand (G>A on the coding strand, the complement: ACTN1 is on the minus strand). VCF-style: chr14-68892180-C-T. GRCh37 (hg19) VCF-style: chr14-69358897-C-T.
Other names: p.Arg320Gln; c.959G>A, p.Arg320Gln (NM_001102.4, NM_001130005.2); short protein forms R320Q.
Identifiers: ClinVar variation 986185 (VCV000986185.11), dbSNP rs1566606055, ClinGen allele CA390188545.
Genomic context (GRCh38, chr14:68,892,180, plus strand): 5'-GTGTTGAAGTTGATCTCCAGCTGGCACTTCTCCTGCACCTTGGGCGGCTTGTGCAGGCGC[C>T]GGTAGTCCCGGAAGTCCTCCAGCTTCTGTTGCATGGCATGCATGGTGTTCTCGGGCACCC-3'
Protein context (NP_001123476.1, residues 310-330): QQKLEDFRDY[Arg320Gln]RLHKPPKVQE

ClinVar aggregate classification (germline): Conflicting classifications of pathogenicity. Review status: criteria provided, conflicting classifications (1 of 4 stars). 5 submissions from 5 submitters: Likely pathogenic (3); Uncertain significance (2). Last evaluated 2025-10-27.

Conditions:
Platelet-type bleeding disorder 15 (BDPLT15). Also called: MACROTHROMBOCYTOPENIA, AUTOSOMAL DOMINANT, ACTN1-RELATED. Identifiers: Orphanet 140957, MedGen C3554663, MONDO:0014078, OMIM 615193.
ACTN1-related disorder. Also called: ACTN1-related condition.
Inborn genetic diseases. Identifiers: MedGen C0950123, MeSH D030342.

Submissions (5):

PreventionGenetics, part of Exact Sciences
Classification: Uncertain significance for ACTN1-related condition. Last evaluated: 2025-10-27. Review status: criteria provided, single submitter. Criteria: ACMG Guidelines, 2015. Collection method: clinical testing. Allele origin: germline.
Comment: The ACTN1 c.959G>A variant is predicted to result in the amino acid substitution p.Arg320Gln. This variant was reported in two affected siblings with mild bleeding and macrothrombocytopenia (Table 2, Westbury et al 2015. PubMed ID: 25949529). This variant has not been reported in a large population database (gnomAD), indicating this variant is rare. Although we suspect that this variant may be pathogenic, at this time, the clinical significance of this variant is uncertain due to the absence of conclusive functional and genetic evidence.

Labcorp Genetics (formerly Invitae), Labcorp
Classification: Uncertain significance. Last evaluated: 2025-06-16. Review status: criteria provided, single submitter. Criteria: Invitae Variant Classification Sherloc (09022015). Collection method: clinical testing. Allele origin: germline.
Comment: This sequence change replaces arginine, which is basic and polar, with glutamine, which is neutral and polar, at codon 320 of the ACTN1 protein (p.Arg320Gln). This variant is not present in population databases (gnomAD no frequency). This missense change has been observed in individual(s) with ACTN1-related conditions (PMID: 25949529). ClinVar contains an entry for this variant (Variation ID: 986185). Invitae Evidence Modeling of protein sequence and biophysical properties (such as structural, functional, and spatial information, amino acid conservation, physicochemical variation, residue mobility, and thermodynamic stability) indicates that this missense variant is expected to disrupt ACTN1 protein function with a positive predictive value of 80%. Experimental studies have shown that this missense change affects ACTN1 function (PMID: 31365757). In summary, the available evidence is currently insufficient to determine the role of this variant in disease. Therefore, it has been classified as a Variant of Uncertain Significance.

Mayo Clinic Laboratories, Mayo Clinic
Classification: Likely pathogenic. Last evaluated: 2024-12-16. Review status: criteria provided, single submitter. Criteria: ACMG Guidelines, 2015. Collection method: clinical testing. Allele origin: germline. Observed: 1 variant allele.
Comment: PP2, PM1, PM2_supporting, PS3_moderate, PS4_moderate

Victorian Clinical Genetics Services, Murdoch Childrens Research Institute
Classification: Likely pathogenic for Platelet-type bleeding disorder 15. Last evaluated: 2023-07-17. Review status: criteria provided, single submitter. Criteria: ACMG Guidelines, 2015. Collection method: clinical testing. Allele origin: germline. Inheritance: Autosomal dominant inheritance. Affected: yes.
Comment: Based on the classification scheme VCGS_Germline_v1.3.4, this variant is classified as Likely pathogenic. Following criteria are met: 0103 - Loss of function (LoF) and gain of function (GoF) are reported mechanisms of disease in this gene and are associated with platelet-type bleeding disorder 15 (MIM#615193). LoF and GoF have been reported for missense variants (PMIDs: 23434115, 30351444, 26879394, 31365757). (I) 0107 - This gene is associated with autosomal dominant disease. (I) 0200 - Variant is predicted to result in a missense amino acid change from arginine to glutamine. (I) 0251 - This variant is heterozygous. (I) 0301 - Variant is absent from gnomAD (both v2 and v3). (SP) 0309 - An alternative amino acid change at the same position has been observed in gnomAD (v2) (p.(Arg320Trp): 16 heterozygotes, 0 homozygotes). (I) 0502 - Missense variant with conflicting in silico predictions and very highly conserved with a minor amino acid change. (I) 0600 - Variant is located in the annotated Spectrin domain (DECIPHER). (I) 0705 - No comparable missense variants have previous evidence for pathogenicity. (I) 0803 - This variant has limited previous evidence of pathogenicity in unrelated individuals. This variant has been classified once as likely pathogenic by a clinical diagnostic laboratory and has been reported in one individual with macrothrombocytes and a mild bleeding phenotype (ClinVar; PMID: 25949529). (SP) 0905 - No published segregation evidence has been identified for this variant. (I) 1002 - This variant has moderate functional evidence supporting abnormal protein function. The p.(Arg320Gln) mutant construct transfected into HeLa cells demonstrated dramatically increased actin bundling ability in vitro compared to WT actinin-1 (PMID: 31365757). (SP) 1208 - Inheritance information for this variant is not currently available in this individual. (I) Legend: (SP) - Supporting pathogenic, (I) - Information, (SB) - Supporting benign

Ambry Genetics
Classification: Likely pathogenic for Inborn genetic diseases. Last evaluated: 2018-07-13. Review status: criteria provided, single submitter. Criteria: Ambry exome assertion method (8-5-2015). Collection method: clinical testing. Allele origin: germline. Affected: yes. Observed: 1 variant allele.

Literature cited by the submitters: PubMed 25949529 (cited by 4 submitters); PubMed 31365757 (cited by 3 submitters); PubMed 39318204 (cited by Mayo Clinic Laboratories, Mayo Clinic); PubMed 23434115 (cited by Victorian Clinical Genetics Services, Murdoch Childrens Research Institute); PubMed 26879394 (cited by Victorian Clinical Genetics Services, Murdoch Childrens Research Institute); PubMed 30351444 (cited by Victorian Clinical Genetics Services, Murdoch Childrens Research Institute).